The following is an entry in ClinVar:

NM_000517.6(HBA2):c.300+55T>G

Genes: HBA2 (hemoglobin subunit alpha 2; plus strand), LOC106804612 (hemoglobin subunit alpha 2 recombination region; plus strand). Cytogenetic location: 16p13.3.
Variant type: single nucleotide variant.
Coding change: c.300+55T>G on transcript NM_000517.6 (MANE Select); 55 bases into the intron after coding-DNA position 300, T replaced by G.
Molecular consequence: intron variant.
Genome position (GRCh38, 1-based): chr16:173,384, T>G. VCF-style: chr16-173384-T-G. GRCh37 (hg19) VCF-style: chr16-223383-T-G.
Other names: IVS II-55 T>G.
Identifiers: ClinVar variation 439769 (VCV000439769.17), dbSNP rs2362746, ClinGen allele CA276415160.

ClinVar aggregate classification (germline): Benign/Likely benign. Review status: criteria provided, multiple submitters, no conflicts (2 of 4 stars). 6 submissions from 6 submitters: Benign (1); Likely benign (2). 3 of the submissions do not count toward it. Last evaluated 2020-03-31.

Conditions:
alpha Thalassemia. Also called: Alpha thalassemia spectrum. Identifiers: Orphanet 846, MedGen C0002312, MONDO:0011399, OMIM 604131.

Allele frequency attached by ClinVar (database versions not stated): gnomAD 0.01895 and 0.01848; 1000 Genomes Project 0.03355.

Submissions (6):

ARUP Laboratories, Molecular Genetics and Genomics, ARUP Laboratories
Classification: Benign. Last evaluated: 2020-03-31. Review status: criteria provided, single submitter. Criteria: ARUP Molecular Germline Variant Investigation Process. Collection method: clinical testing. Allele origin: germline.

GeneDx
Classification: Likely benign. Last evaluated: 2018-07-05. Review status: criteria provided, single submitter. Criteria: GeneDx Variant Classification Process June 2021. Collection method: clinical testing. Allele origin: germline. Affected: yes.

Breakthrough Genomics
Classification: Likely benign. Review status: criteria provided, single submitter. Criteria: ACMG Guidelines, 2015. Collection method: not provided. Allele origin: germline. Inheritance: Autosomal dominant inheritance. Affected: yes.

MOLECULAR BIOLOGY AND HUMAN GENETICS DIVISION, THE UNIVERSITY OF BURDWAN
Classification: Benign for alpha Thalassemia. Last evaluated: 2025-04-21. Review status: no assertion criteria provided. Collection method: research. Allele origin: germline. Affected: no. Observed: 1 variant allele. Not counted in ClinVar's aggregate classification.
Comment: The variant present at higher frequency in general population, no phenotypic effect was identified in heterozygous condition

An intronic variant of the HBA2 gene, found in a Bengali Thalassemia (Beta) pateint during alpha-globin gene mutation screening.

Natera, Inc.
Classification: Benign for Alpha thalassemia. Last evaluated: 2020-09-16. Review status: no assertion criteria provided. Collection method: clinical testing. Allele origin: germline. Not counted in ClinVar's aggregate classification.

The ITHANET community portal, The Cyprus Institute of Neurology and Genetics
Classification: Benign for alpha Thalassemia. Last evaluated: 2019-11-25. Review status: no assertion criteria provided. Collection method: curation. Allele origin: germline. Not counted in ClinVar's aggregate classification.

Literature cited by the submitters: PubMed 21980356 (cited by MOLECULAR BIOLOGY AND HUMAN GENETICS DIVISION, THE UNIVERSITY OF BURDWAN); PubMed 19373587 (cited by The ITHANET community portal, The Cyprus Institute of Neurology and Genetics); PubMed 23402770 (cited by The ITHANET community portal, The Cyprus Institute of Neurology and Genetics); PubMed 8829628 (cited by The ITHANET community portal, The Cyprus Institute of Neurology and Genetics).